The following is an entry in ClinVar:

NM_002907.4(RECQL):c.366T>G (p.Cys122Trp)

Gene: RECQL (RecQ like helicase; minus strand). Cytogenetic location: 12p12.1.
Variant type: single nucleotide variant.
Coding change: c.366T>G on transcript NM_002907.4 (MANE Select); coding-DNA position 366, T replaced by G.
Protein change: p.Cys122Trp; replaces cysteine 122 with tryptophan.
Molecular consequence: missense variant.
Genome position (GRCh38, 1-based): chr12:21,490,227, A>C on the plus strand (T>G on the coding strand, the complement: RECQL is on the minus strand). VCF-style: chr12-21490227-A-C. GRCh37 (hg19) VCF-style: chr12-21643161-A-C.
Other names: c.366T>G, p.Cys122Trp (NM_032941.3); short protein forms C122W.
Identifiers: ClinVar variation 1733788 (VCV001733788.4), dbSNP rs772760660, ClinGen allele CA6479124.
Genomic context (GRCh38, chr12:21,490,227, plus strand): 5'-TTCAACTCAAAATTAATTTTTTTAGTACATACCATCTGAACATAATGCTGGTAACTGGTA[A>C]CATAAGCTCTTTCCACCTCCTGTAGGCATAACAAGAAATACCTCCTTTCCAGCCATTGTT-3'
Protein context (NP_002898.2, residues 112-132): VMPTGGGKSL[Cys122Trp]YQLPALCSDG

ClinVar aggregate classification (germline): Uncertain significance. Review status: criteria provided, multiple submitters, no conflicts (2 of 4 stars). 2 submissions from 2 submitters: Uncertain significance (2). Last evaluated 2024-11-17.

Allele frequency attached by ClinVar (database versions not stated): gnomAD exomes below 0.00001; ExAC 0.00001.
gnomAD v4.1: 3 of 1,611,630 alleles (0.00019%); highest among the groups gnomAD compares: East Asian, 0.0067%; no homozygotes.

Submissions (2):

Ambry Genetics
Classification: Uncertain significance. Last evaluated: 2024-11-17. Review status: criteria provided, single submitter. Criteria: Ambry Variant Classification Scheme 2023. Collection method: clinical testing. Allele origin: germline.
Comment: The p.C122W variant (also known as c.366T>G), located in coding exon 3 of the RECQL gene, results from a T to G substitution at nucleotide position 366. The cysteine at codon 122 is replaced by tryptophan, an amino acid with highly dissimilar properties. This amino acid position is highly conserved in available vertebrate species. In addition, the in silico prediction for this alteration is inconclusive. The evidence for this gene-disease relationship is limited; therefore, the clinical significance of this alteration is unclear.

Quest Diagnostics Nichols Institute San Juan Capistrano
Classification: Uncertain significance. Last evaluated: 2023-06-09. Review status: criteria provided, single submitter. Criteria: Quest Diagnostics criteria. Collection method: clinical testing. Allele origin: unknown.
Comment: This variant has not been reported in individuals with RECQL-related conditions in the published literature. In a large-scale breast cancer association case-control study, this variant has only been reported in an unaffected control (PMID: 33471991 (2021), see also LOVD (RECQL)). The frequency of this variant in the general population, 0.000008 (2/251032 chromosomes (Genome Aggregation Database)), is uninformative in the assessment of its pathogenicity. Analysis of this variant using bioinformatics tools for the prediction of the effect of amino acid changes on protein structure and function yielded predictions that this variant is damaging. Based on the available information, we are unable to determine the clinical significance of this variant.

Literature cited by the submitters: PubMed 33471991 (cited by Quest Diagnostics Nichols Institute San Juan Capistrano).